The following is an entry in ClinVar:

ClinVar aggregate classification (germline): Conflicting classifications of pathogenicity. Review status: criteria provided, conflicting classifications (1 of 4 stars). 4 submissions from 4 submitters: Pathogenic (1); Likely pathogenic (2); Uncertain significance (1). Last evaluated 2025-10-12.

Conditions:
AARS2-related disorder. Also called: AARS2-related condition; AARS2-related disorders. Identifiers: MedGen CN381518, MONDO:1060240.

Submissions (4):

GeneDx
Classification: Likely pathogenic. Last evaluated: 2025-10-12. Review status: criteria provided, single submitter. Criteria: GeneDx Variant Classification Process June 2021. Collection method: clinical testing. Allele origin: germline. Affected: yes.
Comment: Frameshift variant predicted to result in abnormal protein length as the last 76 amino acids are replaced with 57 different amino acids, and other similar variants have been reported; Not observed at significant frequency in large population cohorts (gnomAD); Has not been previously published as pathogenic or benign to our knowledge

Labcorp Genetics (formerly Invitae), Labcorp
Classification: Pathogenic. Last evaluated: 2025-07-08. Review status: criteria provided, single submitter. Criteria: Invitae Variant Classification Sherloc (09022015). Collection method: clinical testing. Allele origin: germline.
Comment: This sequence change creates a premature translational stop signal (p.Thr910Profs*58) in the AARS2 gene. While this is not anticipated to result in nonsense mediated decay, it is expected to disrupt the last 76 amino acid(s) of the AARS2 protein. This variant is present in population databases (rs780343109, gnomAD 0.003%). This variant has not been reported in the literature in individuals affected with AARS2-related conditions. ClinVar contains an entry for this variant (Variation ID: 497299). This variant disrupts a region of the AARS2 protein in which other variant(s) (p.Arg958*) have been determined to be pathogenic (PMID: 29440775). This suggests that this is a clinically significant region of the protein, and that variants that disrupt it are likely to be disease-causing. For these reasons, this variant has been classified as Pathogenic.

PreventionGenetics, part of Exact Sciences
Classification: Likely pathogenic for AARS2-related condition. Last evaluated: 2025-03-21. Review status: criteria provided, single submitter. Criteria: ACMG Guidelines, 2015. Collection method: clinical testing. Allele origin: germline.
Comment: The AARS2 c.2728_2755del28 variant is predicted to result in a frameshift and premature protein termination (p.Thr910Profs*58). To our knowledge, this variant has not been reported in the literature. This variant is reported in 0.0028% of alleles in individuals of Latino descent in gnomAD. Frameshift variants in AARS2 are expected to be pathogenic. This variant is interpreted as likely pathogenic.

Eurofins Ntd Llc (ga)
Classification: Uncertain significance. Last evaluated: 2016-10-31. Review status: criteria provided, single submitter. Criteria: EGL Classification Definitions 2015. Collection method: clinical testing. Allele origin: germline. Observed: 1 variant allele, 1 heterozygote.

Literature cited by the submitters: PubMed 29440775 (cited by Labcorp Genetics (formerly Invitae), Labcorp).

NM_020745.4(AARS2):c.2728_2755del (p.Thr910fs)

Gene: AARS2 (alanyl-tRNA synthetase 2, mitochondrial; minus strand). Cytogenetic location: 6p21.1.
Variant type: Deletion.
Coding change: c.2728_2755del on transcript NM_020745.4 (MANE Select); coding-DNA positions 2728 to 2755, 28 bases deleted (ACGTCTGTGCTCCTACTCAGCCCCCAGC).
Protein change: p.Thr910fs; shifts the reading frame from threonine 910.
Molecular consequence: frameshift variant.
Genome position (GRCh38, 1-based): chr6:44,301,194-44,301,221, GCTGGGGGCTGAGTAGGAGCACAGACGT deleted on the plus strand (ACGTCTGTGCTCCTACTCAGCCCCCAGC on the coding strand, the reverse complement: AARS2 is on the minus strand); deleting any 28 consecutive bases within chr6:44,301,194-44,301,230 gives the same sequence; the c. name uses the placement nearest the transcript's 3' end. VCF-style (leftmost placement, unchanged base first): chr6-44301193-GGCTGGGGGCTGAGTAGGAGCACAGACGT-G. GRCh37 (hg19) VCF-style: chr6-44268930-GGCTGGGGGCTGAGTAGGAGCACAGACGT-G.
Other names: c.2728_2755del28 (NM_020745.2, NM_020745.3); short protein forms T910fs.
Identifiers: ClinVar variation 497299 (VCV000497299.19), dbSNP rs780343109, ClinGen allele CA3833851.